The following is an entry in ClinVar:

ClinVar aggregate classification (germline): Uncertain significance (1 of 4 stars; one submission).

Submission:

GeneDx
Classification: Uncertain significance. Last evaluated: 2025-04-25. Review status: criteria provided, single submitter. Criteria: GeneDx Variant Classification Process June 2021. Collection method: clinical testing. Allele origin: germline. Affected: yes.
Comment: Not observed at significant frequency in large population cohorts (gnomAD); In silico analysis supports that this missense variant has a deleterious effect on protein structure/function; Has not been previously published as pathogenic or benign to our knowledge

NM_031407.7(HUWE1):c.2722C>T (p.His908Tyr)

Gene: HUWE1 (HECT, UBA and WWE domain containing E3 ubiquitin protein ligase 1; minus strand). Cytogenetic location: Xp11.22.
Variant type: single nucleotide variant.
Coding change: c.2722C>T on transcript NM_031407.7 (MANE Select); coding-DNA position 2722, C replaced by T.
Protein change: p.His908Tyr; replaces histidine 908 with tyrosine.
Molecular consequence: missense variant.
Genome position (GRCh38, 1-based): chrX:53,604,609, G>A on the plus strand (C>T on the coding strand, the complement: HUWE1 is on the minus strand). VCF-style: chrX-53604609-G-A. GRCh37 (hg19) VCF-style: chrX-53631570-G-A.
Other names: c.2722C>T, p.His908Tyr (NM_001441048.1, NM_001441049.1, NM_001441051.1 and 6 more transcripts); c.2743C>T, p.His915Tyr (NM_001441050.1, NM_001441055.1); short protein forms H908Y, H915Y.
Identifiers: ClinVar variation 4527761 (VCV004527761.1).